The following is an entry in ClinVar:

NM_003119.4(SPG7):c.2227A>C (p.Ile743Leu)

Gene: SPG7 (SPG7 matrix AAA peptidase subunit, paraplegin; plus strand). Cytogenetic location: 16q24.3.
Variant type: single nucleotide variant.
Coding change: c.2227A>C on transcript NM_003119.4 (MANE Select); coding-DNA position 2227, A replaced by C.
Protein change: p.Ile743Leu; replaces isoleucine 743 with leucine.
Molecular consequence: missense variant. On other transcripts: 3 prime UTR variant (1).
Genome position (GRCh38, 1-based): chr16:89,556,932, A>C. VCF-style: chr16-89556932-A-C. GRCh37 (hg19) VCF-style: chr16-89623340-A-C.
Other names: c.*5A>C (NM_001363850.1); short protein forms I743L.
Identifiers: ClinVar variation 452399 (VCV000452399.2), dbSNP rs372231786, ClinGen allele CA8244628.

ClinVar aggregate classification (germline): Uncertain significance (1 of 4 stars; one submission).

Allele frequency attached by ClinVar (database versions not stated): TOPMed 0.00001; ExAC 0.00001; gnomAD 0.00001; ESP Exome Variant Server 0.00008.
gnomAD v4.1: 17 of 1,613,984 alleles (0.0011%); highest among the groups gnomAD compares: Non-Finnish European, 0.0014%; no homozygotes.

Submission:

GeneDx
Classification: Uncertain significance. Last evaluated: 2017-09-28. Review status: criteria provided, single submitter. Criteria: GeneDx Variant Classification (06012015). Collection method: clinical testing. Allele origin: germline. Affected: yes.
Comment: A variant of uncertain significance has been identified in the SPG7 gene. The I743L variant has not been published as a pathogenic variant, nor has it been reported as a benign variant to our knowledge. The I743L variant is not observed at a significant frequency in large population cohorts (Lek et al., 2016). The I743L variant is a conservative amino acid substitution, which is not likely to impact secondary protein structure as these residues share similar properties. This substitution occurs at a position where amino acids with similar properties to Isoleucine are tolerated across species. However, in silico analysis predicts this variant is probably damaging to the protein structure/function. Additionally, a different missense substitution at the same position (I743T) in the SPG7 gene has been reported previously along with a second variant in multiple individuals with ataxia, upper motor neuron syndrome, and progressive external ophthalmoplegia (Brugman et al., 2008; van Gassen et al., 2012; Pfeffer et al., 2014; Pfeffer et al., 2015, Yang et al., 2016). Therefore, based on the currently available information, it is unclear whether this variant is a pathogenic variant or a rare benign variant.